The following is an entry in ClinVar:

ClinVar aggregate classification (germline): Uncertain significance (1 of 4 stars; one submission).

Conditions:
Inborn genetic diseases. Identifiers: MedGen C0950123, MeSH D030342.

Submission:

Ambry Genetics
Classification: Uncertain significance for Inborn genetic diseases. Last evaluated: 2026-05-14. Review status: criteria provided, single submitter. Criteria: Ambry Variant Classification Scheme 2023. Collection method: clinical testing. Allele origin: germline.
Comment: The p.R335S variant (also known as c.1005A>C), located in coding exon 4 of the PIK3CA gene, results from an A to C substitution at nucleotide position 1005. The arginine at codon 335 is replaced by serine, an amino acid with dissimilar properties. This amino acid position is conserved. In addition, the in silico prediction for this alteration is inconclusive. Based on the available evidence, the clinical significance of this variant remains unclear.

NM_006218.4(PIK3CA):c.1005A>C (p.Arg335Ser)

Gene: PIK3CA (phosphatidylinositol-4,5-bisphosphate 3-kinase catalytic subunit alpha; plus strand). Cytogenetic location: 3q26.32.
Variant type: single nucleotide variant.
Coding change: c.1005A>C on transcript NM_006218.4 (MANE Select); coding-DNA position 1005, A replaced by C.
Protein change: p.Arg335Ser; replaces arginine 335 with serine.
Molecular consequence: missense variant.
Genome position (GRCh38, 1-based): chr3:179,203,735, A>C. VCF-style: chr3-179203735-A-C. GRCh37 (hg19) VCF-style: chr3-178921523-A-C.
Other names: short protein forms R335S.
Identifiers: ClinVar variation 4861879 (VCV004861879.1).